The following is an entry in ClinVar:

ClinVar aggregate classification (germline): Pathogenic/Likely pathogenic. Review status: criteria provided, multiple submitters, no conflicts (2 of 4 stars). 3 submissions from 3 submitters: Pathogenic (1); Likely pathogenic (1). 1 of the submissions does not count toward it. Last evaluated 2023-10-10.

Conditions:
Autosomal recessive limb-girdle muscular dystrophy type 2B (LGMDR2). Also called: MUSCULAR DYSTROPHY, LIMB-GIRDLE, TYPE 3; MUSCULAR DYSTROPHY, LIMB-GIRDLE, AUTOSOMAL RECESSIVE 2; Limb-Girdle Muscular Dystrophy Type 2B (LGMD2B); Limb-girdle muscular dystrophy, type 2B. Identifiers: Orphanet 268, MedGen C1850889, MONDO:0009676, OMIM 253601.
Miyoshi muscular dystrophy 1 (MMD1). Identifiers: Orphanet 45448, MedGen C4551973, MONDO:0024545, OMIM 254130.
Neuromuscular disease caused by qualitative or quantitative defects of dysferlin. Also called: Qualitative or quantitative defects of dysferlin; Dysferlinopathy. Identifiers: Orphanet 207073, MedGen C2931687, MONDO:0016145.

Submissions (3):

Baylor Genetics
Classification: Likely pathogenic for Miyoshi muscular dystrophy 1. Last evaluated: 2023-10-10. Review status: criteria provided, single submitter. Criteria: ACMG Guidelines, 2015. Collection method: clinical testing. Allele origin: unknown.

Labcorp Genetics (formerly Invitae), Labcorp
Classification: Pathogenic for Neuromuscular disease caused by qualitative or quantitative defects of dysferlin. Last evaluated: 2021-07-09. Review status: criteria provided, single submitter. Criteria: Invitae Variant Classification Sherloc (09022015). Collection method: clinical testing. Allele origin: germline.
Comment: This sequence change creates a premature translational stop signal (p.Leu1518Argfs*24) in the DYSF gene. It is expected to result in an absent or disrupted protein product. Loss-of-function variants in DYSF are known to be pathogenic (PMID: 17698709, 20301480). This variant is not present in population databases (ExAC no frequency). This variant has not been reported in the literature in individuals affected with DYSF-related conditions. ClinVar contains an entry for this variant (Variation ID: 550602). For these reasons, this variant has been classified as Pathogenic.

Counsyl
Classification: Likely pathogenic for Autosomal recessive limb-girdle muscular dystrophy type 2B. Last evaluated: 2017-02-03. Review status: no assertion criteria provided. Collection method: clinical testing. Allele origin: unknown. Not counted in ClinVar's aggregate classification.

Literature cited by the submitters: PubMed 17698709 (cited by Labcorp Genetics (formerly Invitae), Labcorp); PubMed 20301480 (cited by Labcorp Genetics (formerly Invitae), Labcorp).

NM_001130987.2(DYSF):c.4670del (p.Leu1557fs)

Gene: DYSF (dysferlin; plus strand). Cytogenetic location: 2p13.2.
Variant type: Deletion.
Coding change: c.4670del on transcript NM_001130987.2 (MANE Select); coding-DNA position 4670, one base deleted (T; older notation c.4670delT).
Protein change: p.Leu1557fs; shifts the reading frame from leucine 1557.
Molecular consequence: frameshift variant.
Genome position (GRCh38, 1-based): chr2:71,656,205, T deleted. VCF-style (leftmost placement, unchanged base first): chr2-71656204-CT-C. GRCh37 (hg19) VCF-style: chr2-71883334-CT-C.
Other names: c.4616del, p.Leu1539fs (NM_001130978.2); c.4646del, p.Leu1549fs (NM_001130979.2); c.4604del, p.Leu1535fs (NM_001130980.2); c.4667del, p.Leu1556fs (NM_001130981.2); c.4649del, p.Leu1550fs (NM_001130982.2); c.4619del, p.Leu1540fs (NM_001130983.2); c.4577del, p.Leu1526fs (NM_001130984.2); c.4607del, p.Leu1536fs (NM_001130985.2); and 5 more; short protein forms L1505fs, L1518fs, L1539fs, L1556fs, L1525fs, L1526fs, L1550fs, L1540fs.
Identifiers: ClinVar variation 550602 (VCV000550602.9), dbSNP rs1553408378, ClinGen allele CA658821111.
Genomic context (GRCh38, chr2:71,656,204, plus strand): 5'-AATCCCCATGTGTGGCAGGTCTATGACACACAGCTGGAGAATGTGGAGGCCTTTGAGGGC[CT>C]GTCTGACTTTTGTAACACCTTCAAGCTGTACCGGGGCAAGACGCAGGAGGAGACAGAAGA-3'